The following is an entry in ClinVar:

ClinVar aggregate classification (germline): Pathogenic (1 of 4 stars; one submission).

Conditions:
Bardet-Biedl syndrome (BBS). Identifiers: Orphanet 110, MedGen C0752166, MONDO:0015229.

Submission:

Labcorp Genetics (formerly Invitae), Labcorp
Classification: Pathogenic for Bardet-Biedl syndrome. Last evaluated: 2022-04-17. Review status: criteria provided, single submitter. Criteria: Invitae Variant Classification Sherloc (09022015). Collection method: clinical testing. Allele origin: germline.
Comment: This variant disrupts a region of the TRIM32 protein in which other variant(s) (p.Val591Met) have been determined to be pathogenic (PMID: 30823891). This suggests that this is a clinically significant region of the protein, and that variants that disrupt it are likely to be disease-causing. For these reasons, this variant has been classified as Pathogenic. This variant has not been reported in the literature in individuals affected with TRIM32-related conditions. This sequence change creates a premature translational stop signal (p.Glu310*) in the TRIM32 gene. While this is not anticipated to result in nonsense mediated decay, it is expected to disrupt the last 344 amino acid(s) of the TRIM32 protein. This variant is not present in population databases (gnomAD no frequency).

Literature cited by the submitters: PubMed 30823891.

NM_012210.4(TRIM32):c.928G>T (p.Glu310Ter)

Genes: ASTN2 (astrotactin 2; minus strand), TRIM32 (tripartite motif containing 32; plus strand). Cytogenetic location: 9q33.1.
Variant type: single nucleotide variant.
Coding change: c.928G>T on transcript NM_012210.4 (MANE Select); coding-DNA position 928, G replaced by T.
Protein change: p.Glu310Ter; replaces glutamic acid 310 with a stop codon.
Molecular consequence: nonsense. On other transcripts: intron variant (3).
Genome position (GRCh38, 1-based): chr9:116,698,670, G>T. VCF-style: chr9-116698670-G-T. GRCh37 (hg19) VCF-style: chr9-119460949-G-T.
Other names: c.928G>T, p.Glu310Ter (NM_001099679.2, NM_001379048.1, NM_001379049.1 and 1 more transcripts); c.2653+27101C>A (NM_014010.5); c.2794+27101C>A (NM_001365069.1); c.2806+27101C>A (NM_001365068.1); short protein forms E310*.
Identifiers: ClinVar variation 2127373 (VCV002127373.4), dbSNP rs2491063488, ClinGen allele CA374650399.